The following is an entry in ClinVar:

NM_000051.4(ATM):c.6877C>G (p.Leu2293Val)

Genes: C11orf65 (chromosome 11 open reading frame 65; minus strand), ATM (ATM serine/threonine kinase; plus strand). Cytogenetic location: 11q22.3.
Variant type: single nucleotide variant.
Coding change: c.6877C>G on transcript NM_000051.4 (MANE Select); coding-DNA position 6877, C replaced by G.
Protein change: p.Leu2293Val; replaces leucine 2293 with valine.
Molecular consequence: missense variant. On other transcripts: intron variant (2).
Genome position (GRCh38, 1-based): chr11:108,326,127, C>G. VCF-style: chr11-108326127-C-G. GRCh37 (hg19) VCF-style: chr11-108196854-C-G.
Other names: c.6877C>G, p.Leu2293Val (NM_001351834.2); c.641-17056G>C (NM_001330368.2); c.*38+9093G>C (NM_001351110.2); short protein forms L2293V.
Identifiers: ClinVar variation 1755904 (VCV001755904.2), dbSNP rs755170556, ClinGen allele CA6266025.

ClinVar aggregate classification (germline): Uncertain significance (1 of 4 stars; one submission).

Conditions:
Hereditary cancer-predisposing syndrome. Also called: Hereditary neoplastic syndrome; Neoplastic Syndromes, Hereditary; Tumor predisposition; Hereditary Cancer Syndrome. Identifiers: Orphanet 140162, MedGen C0027672, MeSH D009386, MONDO:0015356.

Allele frequency attached by ClinVar (database versions not stated): ExAC 0.00040.

Submission:

Ambry Genetics
Classification: Uncertain significance for Hereditary cancer-predisposing syndrome. Last evaluated: 2022-04-09. Review status: criteria provided, single submitter. Criteria: Ambry Variant Classification Scheme 2023. Collection method: clinical testing. Allele origin: germline.
Comment: The p.L2293V variant (also known as c.6877C>G), located in coding exon 46 of the ATM gene, results from a C to G substitution at nucleotide position 6877. The leucine at codon 2293 is replaced by valine, an amino acid with highly similar properties. This amino acid position is highly conserved in available vertebrate species. In addition, the in silico prediction for this alteration is inconclusive. Since supporting evidence is limited at this time, the clinical significance of this alteration remains unclear.